The following is an entry in ClinVar:

ClinVar aggregate classification (germline): Likely pathogenic (1 of 4 stars; one submission).

Submissions (2):

CeGaT Center for Human Genetics Tuebingen
Classification: Likely pathogenic. Last evaluated: 2024-07-01. Review status: criteria provided, single submitter. Criteria: CeGaT Center For Human Genetics Tuebingen Variant Classification Criteria Version 2. Collection method: clinical testing. Allele origin: germline. Affected: yes. Observed: 1 variant allele.
Comment: CHM: PVS1:Strong, PM2, PP4, PS4:Supporting

Dr. Peter K. Rogan Lab, Western University
No classification provided (evidence only). Condition: Nonpapillary renal cell carcinoma. Review status: no classification provided. Collection method: in vitro. Allele origin: not applicable. Functional consequence: retained intron. Not counted in ClinVar's aggregate classification.

NM_000390.4(CHM):c.703-1G>A

Gene: CHM (CHM Rab escort protein; minus strand). Cytogenetic location: Xq21.2.
Variant type: single nucleotide variant.
Coding change: c.703-1G>A on transcript NM_000390.4 (MANE Select); the canonical splice acceptor site of the intron before coding-DNA position 703, G replaced by A.
Molecular consequence: splice acceptor variant.
Genome position (GRCh38, 1-based): chrX:85,958,978, C>T on the plus strand (G>A on the coding strand, the complement: CHM is on the minus strand). VCF-style: chrX-85958978-C-T. GRCh37 (hg19) VCF-style: chrX-85213983-C-T.
Other names: NC_000023.10:g.85213983C>T; c.259-1G>A (NM_001362519.1, NM_001362517.1, NM_001320959.1 and 1 more transcripts).
Identifiers: ClinVar variation 3257293 (VCV003257293.18).